The following is an entry in ClinVar:

ClinVar aggregate classification (germline): Conflicting classifications of pathogenicity. Review status: criteria provided, conflicting classifications (1 of 4 stars). 3 submissions from 3 submitters: Uncertain significance (2); Likely benign (1). Last evaluated 2024-10-24.

Conditions:
Inborn genetic diseases. Identifiers: MedGen C0950123, MeSH D030342.
Hereditary spastic paraplegia 5A (SPG5A). Also called: SPASTIC PARAPLEGIA 5A, AUTOSOMAL RECESSIVE. Identifiers: Orphanet 100986, MedGen C1849115, MONDO:0010047, OMIM 270800.
Spastic paraplegia. Identifiers: MedGen C0037772, HP:0001258.

Allele frequency attached by ClinVar (database versions not stated): TOPMed 0.00001; ESP Exome Variant Server 0.00008.
gnomAD v4.1: 3 of 1,613,664 alleles (0.00019%); highest among the groups gnomAD compares: Non-Finnish European, 0.00025%; no homozygotes.

Submissions (3):

Labcorp Genetics (formerly Invitae), Labcorp
Classification: Uncertain significance for Spastic paraplegia. Last evaluated: 2024-10-24. Review status: criteria provided, single submitter. Criteria: Invitae Variant Classification Sherloc (09022015). Collection method: clinical testing. Allele origin: germline.
Comment: This sequence change replaces histidine, which is basic and polar, with proline, which is neutral and non-polar, at codon 277 of the CYP7B1 protein (p.His277Pro). This variant is not present in population databases (gnomAD no frequency). This variant has not been reported in the literature in individuals affected with CYP7B1-related conditions. ClinVar contains an entry for this variant (Variation ID: 910255). Invitae Evidence Modeling of protein sequence and biophysical properties (such as structural, functional, and spatial information, amino acid conservation, physicochemical variation, residue mobility, and thermodynamic stability) indicates that this missense variant is not expected to disrupt CYP7B1 protein function with a negative predictive value of 95%. In summary, the available evidence is currently insufficient to determine the role of this variant in disease. Therefore, it has been classified as a Variant of Uncertain Significance.

Ambry Genetics
Classification: Likely benign for Inborn genetic diseases. Last evaluated: 2022-12-02. Review status: criteria provided, single submitter. Criteria: Ambry Variant Classification Scheme 2023. Collection method: clinical testing. Allele origin: germline.

Illumina Laboratory Services, Illumina
Classification: Uncertain significance for Hereditary spastic paraplegia 5A. Last evaluated: 2018-01-12. Review status: criteria provided, single submitter. Criteria: ICSL Variant Classification Criteria 13 December 2019. Collection method: clinical testing. Allele origin: germline.

NM_004820.5(CYP7B1):c.830A>C (p.His277Pro)

Gene: CYP7B1 (cytochrome P450 family 7 subfamily B member 1; minus strand). Cytogenetic location: 8q12.3.
Variant type: single nucleotide variant.
Coding change: c.830A>C on transcript NM_004820.5 (MANE Select); coding-DNA position 830, A replaced by C.
Protein change: p.His277Pro; replaces histidine 277 with proline.
Molecular consequence: missense variant.
Genome position (GRCh38, 1-based): chr8:64,615,711, T>G on the plus strand (A>C on the coding strand, the complement: CYP7B1 is on the minus strand). VCF-style: chr8-64615711-T-G. GRCh37 (hg19) VCF-style: chr8-65528268-T-G.
Other names: c.830A>C, p.His277Pro (NM_001324112.2); short protein forms H277P.
Identifiers: ClinVar variation 910255 (VCV000910255.9), dbSNP rs145521868, ClinGen allele CA178389519.